The following is an entry in ClinVar:

NM_006297.3(XRCC1):c.667T>G (p.Ser223Ala)

Gene: XRCC1 (X-ray repair cross complementing 1; minus strand). Cytogenetic location: 19q13.31.
Variant type: single nucleotide variant.
Coding change: c.667T>G on transcript NM_006297.3 (MANE Select); coding-DNA position 667, T replaced by G.
Protein change: p.Ser223Ala; replaces serine 223 with alanine.
Molecular consequence: missense variant.
Genome position (GRCh38, 1-based): chr19:43,553,026, A>C on the plus strand (T>G on the coding strand, the complement: XRCC1 is on the minus strand). VCF-style: chr19-43553026-A-C. GRCh37 (hg19) VCF-style: chr19-44057178-A-C.
Other names: short protein forms S223A.
Identifiers: ClinVar variation 3035772 (VCV003035772.2), dbSNP rs562926147, ClinGen allele CA9488697.
Genomic context (GRCh38, chr19:43,553,026, plus strand): 5'-AGTCTGATGATTTCACCTTGGAGGTGCTGCCTATGGCCCTGGAGACTGGAGAGGCTGAGG[A>C]GGCAGCACTAGAAGCCTGGAGGGTAGCAGCTGCATAGCTAGGTCCTGCTGGGTCGCTGGC-3'
Protein context (NP_006288.2, residues 213-233): AATLQASSAA[Ser223Ala]SASPVSRAIG

ClinVar aggregate classification (germline): Likely benign (0 of 4 stars; one submission).

Conditions:
XRCC1-related disorder. Also called: XRCC1-related condition.

Allele frequency attached by ClinVar (database versions not stated): TOPMed 0.00002; gnomAD 0.00011; 1000 Genomes Project 0.00040; 1000 Genomes Project 30x 0.00062; ExAC 0.00065.
gnomAD v4.1: 221 of 1,601,048 alleles (0.014%); highest among the groups gnomAD compares: South Asian, 0.23%; 3 homozygotes.

Submission:

PreventionGenetics, part of Exact Sciences
Classification: Likely benign for XRCC1-related condition. Last evaluated: 2022-09-20. Review status: no assertion criteria provided. Collection method: clinical testing. Allele origin: germline.
Comment: This variant is classified as likely benign based on ACMG/AMP sequence variant interpretation guidelines (Richards et al. 2015 PMID: 25741868, with internal and published modifications).